The following is an entry in ClinVar:

ClinVar aggregate classification (germline): Uncertain significance (1 of 4 stars; one submission).

Submission:

Labcorp Genetics (formerly Invitae), Labcorp
Classification: Uncertain significance. Last evaluated: 2023-01-19. Review status: criteria provided, single submitter. Criteria: Invitae Variant Classification Sherloc (09022015). Collection method: clinical testing. Allele origin: germline.
Comment: Variants that disrupt the consensus splice site are a relatively common cause of aberrant splicing (PMID: 17576681, 9536098). Algorithms developed to predict the effect of sequence changes on RNA splicing suggest that this variant is not likely to affect RNA splicing. In summary, the available evidence is currently insufficient to determine the role of this variant in disease. Therefore, it has been classified as a Variant of Uncertain Significance. This variant has not been reported in the literature in individuals affected with LAMC2-related conditions. This variant is not present in population databases (gnomAD no frequency). This sequence change falls in intron 22 of the LAMC2 gene. It does not directly change the encoded amino acid sequence of the LAMC2 protein. It affects a nucleotide within the consensus splice site.

Literature cited by the submitters: PubMed 17576681; PubMed 9536098.

NM_005562.3(LAMC2):c.3328+5G>C

Gene: LAMC2 (laminin subunit gamma 2; plus strand). Cytogenetic location: 1q25.3.
Variant type: single nucleotide variant.
Coding change: c.3328+5G>C on transcript NM_005562.3 (MANE Select); 5 bases into the intron after coding-DNA position 3328, G replaced by C.
Molecular consequence: intron variant. On other transcripts: missense variant (1).
Genome position (GRCh38, 1-based): chr1:183,240,396, G>C. VCF-style: chr1-183240396-G-C. GRCh37 (hg19) VCF-style: chr1-183209531-G-C.
Other names: c.3333G>C, p.Met1111Ile (NM_018891.3); short protein forms M1111I.
Identifiers: ClinVar variation 2830242 (VCV002830242.3), dbSNP rs2526135974, ClinGen allele CA343661329.
Genomic context (GRCh38, chr1:183,240,396, plus strand): 5'-TGGGGTTACAATCCAAGACACACTCAACACATTAGACGGCCTCCTGCATCTGATGGGTAT[G>C]TGAACCCACAACCCACAACCTTCCAGCTCCATGCTCCAGGGCTTTGCTCCAGAACACTCA-3'